The following is an entry in ClinVar:

ClinVar aggregate classification (germline): Uncertain significance. Review status: criteria provided, multiple submitters, no conflicts (2 of 4 stars). 2 submissions from 2 submitters: Uncertain significance (2). Last evaluated 2024-08-18.

Submissions (2):

Labcorp Genetics (formerly Invitae), Labcorp
Classification: Uncertain significance. Last evaluated: 2024-08-18. Review status: criteria provided, single submitter. Criteria: Invitae Variant Classification Sherloc (09022015). Collection method: clinical testing. Allele origin: germline.
Comment: This sequence change replaces histidine, which is basic and polar, with aspartic acid, which is acidic and polar, at codon 177 of the GH1 protein (p.His177Asp). This variant is not present in population databases (gnomAD no frequency). This variant has not been reported in the literature in individuals affected with GH1-related conditions. An algorithm developed to predict the effect of missense changes on protein structure and function (PolyPhen-2) suggests that this variant is likely to be tolerated. In summary, the available evidence is currently insufficient to determine the role of this variant in disease. Therefore, it has been classified as a Variant of Uncertain Significance.

Women's Health and Genetics/Laboratory Corporation of America, LabCorp
Classification: Uncertain significance. Last evaluated: 2024-07-08. Review status: criteria provided, single submitter. Criteria: LabCorp Variant Classification Summary - May 2015. Collection method: clinical testing. Allele origin: germline.
Comment: Variant summary: GH1 c.529C>G (p.His177Asp) results in a non-conservative amino acid change in the encoded protein sequence. Three of five in-silico tools predict a damaging effect of the variant on protein function. The variant was absent in 251178 control chromosomes. The available data on variant occurrences in the general population are insufficient to allow any conclusion about variant significance. To our knowledge, no occurrence of c.529C>G in individuals affected with Idiopathic Growth Hormone Deficiency and no experimental evidence demonstrating its impact on protein function have been reported. No submitters have cited clinical-significance assessments for this variant to ClinVar. Based on the evidence outlined above, the variant was classified as uncertain significance.

NM_000515.5(GH1):c.529C>G (p.His177Asp)

Genes: GH-LCR (growth hormone locus control region; plus strand), GH1 (growth hormone 1; minus strand). Cytogenetic location: 17q23.3.
Variant type: single nucleotide variant.
Coding change: c.529C>G on transcript NM_000515.5 (MANE Select); coding-DNA position 529, C replaced by G.
Protein change: p.His177Asp; replaces histidine 177 with aspartic acid.
Molecular consequence: missense variant.
Genome position (GRCh38, 1-based): chr17:63,917,434, G>C on the plus strand (C>G on the coding strand, the complement: GH1 is on the minus strand). VCF-style: chr17-63917434-G-C. GRCh37 (hg19) VCF-style: chr17-61994794-G-C.
Other names: c.484C>G, p.His162Asp (NM_022559.4); c.409C>G, p.His137Asp (NM_022560.4); short protein forms H137D, H162D, H177D.
Identifiers: ClinVar variation 3339061 (VCV003339061.3).